The following is an entry in ClinVar:

NM_005045.4(RELN):c.668A>G (p.Asn223Ser)

Gene: RELN (reelin; minus strand). Cytogenetic location: 7q22.1.
Variant type: single nucleotide variant.
Coding change: c.668A>G on transcript NM_005045.4 (MANE Select); coding-DNA position 668, A replaced by G.
Protein change: p.Asn223Ser; replaces asparagine 223 with serine.
Molecular consequence: missense variant.
Genome position (GRCh38, 1-based): chr7:103,728,196, T>C on the plus strand (A>G on the coding strand, the complement: RELN is on the minus strand). VCF-style: chr7-103728196-T-C. GRCh37 (hg19) VCF-style: chr7-103368643-T-C.
Other names: c.668A>G, p.Asn223Ser (NM_173054.3); short protein forms N223S.
Identifiers: ClinVar variation 1979977 (VCV001979977.4), dbSNP rs1790262006, ClinGen allele CA368929299.
Genomic context (GRCh38, chr7:103,728,196, plus strand): 5'-CAGAAGGTGACGGCATTGCCATGCATAATCGCGCCACACTGTTCTCCAGTCTCACAGTTG[T>C]TACATTCAACCCTGCAGGAAAACAGAACACAGTCCCCGTCTGAGAACTAAGTAGCACACG-3'
Protein context (NP_005036.2, residues 213-233): QLNPNIWVEC[Asn223Ser]NCETGEQCGA

ClinVar aggregate classification (germline): Uncertain significance (1 of 4 stars; one submission).

Conditions:
Familial temporal lobe epilepsy 7. Identifiers: Orphanet 101046, MedGen C4225327, MONDO:0014639, OMIM 616436.
Norman-Roberts syndrome (LIS2). Also called: Lissencephaly 2 (Norman-Roberts type). Identifiers: Orphanet 89844, MedGen C0796089, MONDO:0009760, OMIM 257320.

Allele frequency attached by ClinVar (database versions not stated): gnomAD 0.00001; TOPMed 0.00001.
gnomAD v4.1: 1 of 1,613,656 alleles (0.000062%); highest among the groups gnomAD compares: Admixed American, 0.0017%; no homozygotes.

Submission:

Labcorp Genetics (formerly Invitae), Labcorp
Classification: Uncertain significance for Familial temporal lobe epilepsy 7; Norman-Roberts syndrome. Last evaluated: 2022-08-09. Review status: criteria provided, single submitter. Criteria: Invitae Variant Classification Sherloc (09022015). Collection method: clinical testing. Allele origin: germline.
Comment: This variant has not been reported in the literature in individuals affected with RELN-related conditions. Algorithms developed to predict the effect of missense changes on protein structure and function output the following: SIFT: "Tolerated"; PolyPhen-2: "Benign"; Align-GVGD: "Class C0". The serine amino acid residue is found in multiple mammalian species, which suggests that this missense change does not adversely affect protein function. In summary, the available evidence is currently insufficient to determine the role of this variant in disease. Therefore, it has been classified as a Variant of Uncertain Significance. This sequence change replaces asparagine, which is neutral and polar, with serine, which is neutral and polar, at codon 223 of the RELN protein (p.Asn223Ser). This variant is not present in population databases (gnomAD no frequency).